The following is an entry in ClinVar:

NM_001166108.2(PALLD):c.2771G>T (p.Arg924Leu)

Genes: CBR4 (carbonyl reductase 4; minus strand), PALLD (palladin, cytoskeletal associated protein; plus strand). Cytogenetic location: 4q32.3.
Variant type: single nucleotide variant.
Coding change: c.2771G>T on transcript NM_001166108.2 (MANE Select); coding-DNA position 2771, G replaced by T.
Protein change: p.Arg924Leu; replaces arginine 924 with leucine.
Molecular consequence: missense variant.
Genome position (GRCh38, 1-based): chr4:168,915,948, G>T. VCF-style: chr4-168915948-G-T. GRCh37 (hg19) VCF-style: chr4-169837099-G-T.
Other names: c.1574G>T, p.Arg525Leu (NM_001166109.2); c.1259G>T, p.Arg420Leu (NM_001166110.2); c.599G>T, p.Arg200Leu (NM_001367567.1, NM_001367569.1); c.650G>T, p.Arg217Leu (NM_001367568.1, NM_001367570.1); c.2720G>T, p.Arg907Leu (NM_016081.4); short protein forms R200L, R907L, R525L, R924L, R217L, R420L.
Identifiers: ClinVar variation 3413595 (VCV003413595.1).
Genomic context (GRCh38, chr4:168,915,948, plus strand): 5'-TTTCAAGGCCTCGTTCTAGATCAAGGGACAGTGGAGACGAAAATGAACCAATTCAGGAGC[G>T]ATTCTTCAGACCTCACTTCTTGCAGGCTCCTGGAGATCTGACTGTTCAAGAAGGAAAACT-3'
Protein context (NP_001159580.1, residues 914-934): SGDENEPIQE[Arg924Leu]FFRPHFLQAP

ClinVar aggregate classification (germline): Uncertain significance (1 of 4 stars; one submission).

Submission:

Ambry Genetics
Classification: Uncertain significance. Last evaluated: 2024-08-18. Review status: criteria provided, single submitter. Criteria: Ambry Variant Classification Scheme 2023. Collection method: clinical testing. Allele origin: germline.
Comment: The p.R907L variant (also known as c.2720G>T), located in coding exon 15 of the PALLD gene, results from a G to T substitution at nucleotide position 2720. The arginine at codon 907 is replaced by leucine, an amino acid with dissimilar properties. This amino acid position is conserved. In addition, the in silico prediction for this alteration is inconclusive. Based on the available evidence, the clinical significance of this variant remains unclear.